The following is an entry in ClinVar:

NM_024312.5(GNPTAB):c.648_651del (p.Glu217fs)

Gene: GNPTAB (N-acetylglucosamine-1-phosphate transferase subunits alpha and beta; minus strand). Cytogenetic location: 12q23.2.
Variant type: Deletion.
Coding change: c.648_651del on transcript NM_024312.5 (MANE Select); coding-DNA positions 648 to 651, 4 bases deleted (AGAA; older notation c.648_651delAGAA).
Protein change: p.Glu217fs; shifts the reading frame from glutamic acid 217.
Molecular consequence: frameshift variant.
Genome position (GRCh38, 1-based): chr12:101,780,272-101,780,275, TTCT deleted on the plus strand (AGAA on the coding strand, the reverse complement: GNPTAB is on the minus strand); deleting any 4 consecutive bases within chr12:101,780,272-101,780,277 gives the same sequence; the c. name uses the placement nearest the transcript's 3' end. VCF-style (leftmost placement, unchanged base first): chr12-101780271-CTTCT-C. GRCh37 (hg19) VCF-style: chr12-102174049-CTTCT-C.
Other names: short protein forms E217fs.
Identifiers: ClinVar variation 39086 (VCV000039086.13), dbSNP rs281864963, ClinGen allele CA343413.
Genomic context (GRCh38, chr12:101,780,271, plus strand): 5'-TGAATGTTGGTGGAAATCCACTCAGGAAAGCCAAATCTTGCATTAGCACTAATCCAGGGA[CTTCT>C]TTATCTGTTGTCTAAAATAAGGGGAAAAACATAACTCATTTTCCACATCATGAGGCTGGT-3'

ClinVar aggregate classification (germline): Pathogenic/Likely pathogenic. Review status: criteria provided, multiple submitters, no conflicts (2 of 4 stars). 5 submissions from 5 submitters: Pathogenic (2); Likely pathogenic (1). 2 of the submissions do not count toward it. Last evaluated 2024-10-22.

Conditions:
Mucolipidosis type II. Also called: Mucolipidosis 2; ML 2; Inclusion cell disease; Leroy Disease; N-acetylglucosamine 1phosphotransferase deficiency; ML disorder type 2. Identifiers: Orphanet 576, MedGen C2673377, MONDO:0009650, OMIM 252500.
Pseudo-Hurler polydystrophy. Also called: Type III Mucolipidosis; ML IIIA; Mucolipidosis III Alpha/Beta; MUCOLIPIDOSIS IIIA; ML III; ML III ALPHA/BETA. Identifiers: Orphanet 423461, Orphanet 577, MedGen C0033788, MONDO:0018931, OMIM 252600.

Submissions (5):

Natera, Inc.
Classification: Pathogenic for Mucolipidosis type II. Last evaluated: 2024-10-22. Review status: criteria provided, single submitter. Criteria: Natera Variant Classification Schema (03/2026). Collection method: clinical testing. Allele origin: germline.
Comment: The c.648_651delAGAA variant in GNPTAB is a frameshift variant predicted to shift the reading frame beginning at codon 217 and leads to a stop codon 4 codons downstream. This variant is expected to result in nonsense mediated decay, truncation, or a dysfunctional protein product. This variant is rare in the general population with a frequency below the threshold expected for the associated phenotype(s). This variant has been observed in one or more individuals affected with the associated recessive disease, as either homozygous or compound heterozygous with a second variant (PMID: 29872134). Given the available evidence, this variant is classified as Pathogenic.

Fulgent Genetics
Classification: Likely pathogenic for Mucolipidosis type II; Pseudo-Hurler polydystrophy. Last evaluated: 2024-06-17. Review status: criteria provided, single submitter. Criteria: ACMG Guidelines, 2015. Collection method: clinical testing. Allele origin: germline.

Labcorp Genetics (formerly Invitae), Labcorp
Classification: Pathogenic for Pseudo-Hurler polydystrophy; Mucolipidosis type II. Last evaluated: 2023-05-19. Review status: criteria provided, single submitter. Criteria: Invitae Variant Classification Sherloc (09022015). Collection method: clinical testing. Allele origin: germline.
Comment: For these reasons, this variant has been classified as Pathogenic. ClinVar contains an entry for this variant (Variation ID: 39086). This premature translational stop signal has been observed in individual(s) with mucolipidosis (PMID: 19617216, 29872134). This variant is present in population databases (rs281864963, gnomAD 0.002%). This sequence change creates a premature translational stop signal (p.Glu217Serfs*4) in the GNPTAB gene. It is expected to result in an absent or disrupted protein product. Loss-of-function variants in GNPTAB are known to be pathogenic (PMID: 19617216, 25107912).

Counsyl
Classification: Likely pathogenic for Mucolipidosis type II; Pseudo-Hurler polydystrophy. Last evaluated: 2017-06-21. Review status: no assertion criteria provided. Collection method: clinical testing. Allele origin: unknown. Not counted in ClinVar's aggregate classification.

GeneReviews
No classification provided. Condition: Mucolipidosis type II. Review status: no classification provided. Collection method: literature only. Allele origin: unknown. Not counted in ClinVar's aggregate classification.

Literature cited by the submitters: PubMed 29872134 (cited by Natera, Inc. and Labcorp Genetics (formerly Invitae), Labcorp); PubMed 19617216 (cited by 3 submitters); PubMed 25107912 (cited by Labcorp Genetics (formerly Invitae), Labcorp); PubMed 20301728 (cited by GeneReviews); NCBI Bookshelf NBK1828 (cited by GeneReviews).